The following is an entry in ClinVar:

NM_001110556.2(FLNA):c.6454T>G (p.Ser2152Ala)

Gene: FLNA (filamin A; minus strand). Cytogenetic location: Xq28.
Variant type: single nucleotide variant.
Coding change: c.6454T>G on transcript NM_001110556.2 (MANE Select); coding-DNA position 6454, T replaced by G.
Protein change: p.Ser2152Ala; replaces serine 2152 with alanine.
Molecular consequence: missense variant.
Genome position (GRCh38, 1-based): chrX:154,352,601, A>C on the plus strand (T>G on the coding strand, the complement: FLNA is on the minus strand). VCF-style: chrX-154352601-A-C. GRCh37 (hg19) VCF-style: chrX-153580969-A-C.
Other names: c.6430T>G, p.Ser2144Ala (NM_001456.4); short protein forms S2144A, S2152A.
Identifiers: ClinVar variation 3345646 (VCV003345646.1).

ClinVar aggregate classification (germline): Uncertain significance (0 of 4 stars; one submission).

Conditions:
FLNA-related disorder.

Submission:

PreventionGenetics, part of Exact Sciences
Classification: Uncertain significance for FLNA-related condition. Last evaluated: 2024-08-30. Review status: no assertion criteria provided. Collection method: clinical testing. Allele origin: germline.
Comment: The FLNA c.6454T>G variant is predicted to result in the amino acid substitution p.Ser2152Ala. To our knowledge, this variant has not been reported in the literature or in a large population database, indicating this variant is rare. At this time, the clinical significance of this variant is uncertain due to the absence of conclusive functional and genetic evidence.